The following is an entry in ClinVar:

ClinVar aggregate classification (germline): Uncertain significance (1 of 4 stars; one submission).

Allele frequency attached by ClinVar (database versions not stated): gnomAD exomes below 0.00001; gnomAD 0.00001.
gnomAD v4.1: 2 of 1,613,868 alleles (0.00012%); no homozygotes.

Submission:

Labcorp Genetics (formerly Invitae), Labcorp
Classification: Uncertain significance. Last evaluated: 2022-11-24. Review status: criteria provided, single submitter. Criteria: Invitae Variant Classification Sherloc (09022015). Collection method: clinical testing. Allele origin: germline.
Comment: This variant is not present in population databases (gnomAD no frequency). This sequence change replaces methionine, which is neutral and non-polar, with threonine, which is neutral and polar, at codon 57 of the MYLK3 protein (p.Met57Thr). This variant has not been reported in the literature in individuals affected with MYLK3-related conditions. Algorithms developed to predict the effect of missense changes on protein structure and function (SIFT, PolyPhen-2, Align-GVGD) all suggest that this variant is likely to be tolerated. In summary, the available evidence is currently insufficient to determine the role of this variant in disease. Therefore, it has been classified as a Variant of Uncertain Significance.

NM_182493.3(MYLK3):c.170T>C (p.Met57Thr)

Gene: MYLK3 (myosin light chain kinase 3; minus strand). Cytogenetic location: 16q11.2.
Variant type: single nucleotide variant.
Coding change: c.170T>C on transcript NM_182493.3 (MANE Select); coding-DNA position 170, T replaced by C.
Protein change: p.Met57Thr; replaces methionine 57 with threonine.
Molecular consequence: missense variant. On other transcripts: intron variant (1).
Genome position (GRCh38, 1-based): chr16:46,748,024, A>G on the plus strand (T>C on the coding strand, the complement: MYLK3 is on the minus strand). VCF-style: chr16-46748024-A-G. GRCh37 (hg19) VCF-style: chr16-46781936-A-G.
Other names: c.-113-7877T>C (NM_001308301.1); short protein forms M57T.
Identifiers: ClinVar variation 3009804 (VCV003009804.3), dbSNP rs1967060823, ClinGen allele CA395798719.
Genomic context (GRCh38, chr16:46,748,024, plus strand): 5'-CCGCCCGGGCCCGGTGCCCGGGAGGCCTCCAGCCTGTGCAGGCCCCGCTCCAGGTGGCCC[A>G]TGTCTCGGCACATGCTCTGCAACTTCTCTGTGACATCTTCTTGGAAGTGCAGGAGCTGGT-3'
Protein context (NP_872299.2, residues 47-67): TEKLQSMCRD[Met57Thr]GHLERGLHRL